The following is an entry in ClinVar:

NM_153006.3(NAGS):c.984A>C (p.Lys328Asn)

Gene: NAGS (N-acetylglutamate synthase; plus strand). Cytogenetic location: 17q21.31.
Variant type: single nucleotide variant.
Coding change: c.984A>C on transcript NM_153006.3 (MANE Select); coding-DNA position 984, A replaced by C.
Protein change: p.Lys328Asn; replaces lysine 328 with asparagine.
Molecular consequence: missense variant.
Genome position (GRCh38, 1-based): chr17:44,006,597, A>C. VCF-style: chr17-44006597-A-C. GRCh37 (hg19) VCF-style: chr17-42083965-A-C.
Other names: short protein forms K328N.
Identifiers: ClinVar variation 2116243 (VCV002116243.4), dbSNP rs2509281481, ClinGen allele CA399726219.

ClinVar aggregate classification (germline): Uncertain significance (1 of 4 stars; one submission).

Conditions:
Hyperammonemia, type III (NAGSD). Also called: Hyperammonemia due to N-acetylglutamate synthase deficiency. Identifiers: Orphanet 927, MedGen C0268543, MONDO:0009377, OMIM 237310.

Submission:

Labcorp Genetics (formerly Invitae), Labcorp
Classification: Uncertain significance for Hyperammonemia, type III. Last evaluated: 2022-03-23. Review status: criteria provided, single submitter. Criteria: Invitae Variant Classification Sherloc (09022015). Collection method: clinical testing. Allele origin: germline.
Comment: In summary, the available evidence is currently insufficient to determine the role of this variant in disease. Therefore, it has been classified as a Variant of Uncertain Significance. Algorithms developed to predict the effect of missense changes on protein structure and function (SIFT, PolyPhen-2, Align-GVGD) all suggest that this variant is likely to be tolerated. This variant has not been reported in the literature in individuals affected with NAGS-related conditions. This variant is not present in population databases (gnomAD no frequency). This sequence change replaces lysine, which is basic and polar, with asparagine, which is neutral and polar, at codon 328 of the NAGS protein (p.Lys328Asn).